The following is an entry in ClinVar:

ClinVar aggregate classification (germline): Uncertain significance. Review status: criteria provided, single submitter (1 of 4 stars). 2 submissions from 2 submitters: Uncertain significance (1). 1 of the submissions does not count toward it. Last evaluated 2016-05-01.

Submissions (2):

CeGaT Center for Human Genetics Tuebingen
Classification: Uncertain significance. Last evaluated: 2016-05-01. Review status: criteria provided, single submitter. Criteria: CeGaT Center For Human Genetics Tuebingen Variant Classification Criteria Version 2. Collection method: clinical testing. Allele origin: germline. Affected: yes. Observed: 1 variant allele.

Department of Pathology and Laboratory Medicine, Sinai Health System
Classification: Uncertain significance. Review status: no assertion criteria provided. Collection method: clinical testing. Allele origin: unknown. Affected: yes. Study: The Canadian Open Genetics Repository (COGR). Not counted in ClinVar's aggregate classification.
Comment: The HLCS p.His264Gln variant was not identified in the literature nor was it identified in dbSNP, ClinVar, LOVD 3.0 or in the following control databases: the 1000 Genomes Project, the NHLBI GO Exome Sequencing Project, the Exome Aggregation Consortium (August 8th 2016), or the Genome Aggregation Database (March 6, 2019, v2.1.1). The p.His264 residue is not conserved in mammals and computational analyses (PolyPhen-2, SIFT, AlignGVGD, BLOSUM, MutationTaster) do not suggest a high likelihood of impact to the protein; however, this information is not predictive enough to rule out pathogenicity. The variant occurs outside of the splicing consensus sequence and in silico or computational prediction software programs (SpliceSiteFinder, MaxEntScan, NNSPLICE, GeneSplicer) do not predict a difference in splicing. In summary, based on the above information the clinical significance of this variant cannot be determined with certainty at this time. This variant is classified as a variant of uncertain significance.

NM_001352514.2(HLCS):c.1233C>G (p.His411Gln)

Gene: HLCS (holocarboxylase synthetase; minus strand). Cytogenetic location: 21q22.13.
Variant type: single nucleotide variant.
Coding change: c.1233C>G on transcript NM_001352514.2 (MANE Select); coding-DNA position 1233, C replaced by G.
Protein change: p.His411Gln; replaces histidine 411 with glutamine.
Molecular consequence: missense variant. On other transcripts: non-coding transcript variant (2).
Genome position (GRCh38, 1-based): chr21:36,936,653, G>C on the plus strand (C>G on the coding strand, the complement: HLCS is on the minus strand). VCF-style: chr21-36936653-G-C. GRCh37 (hg19) VCF-style: chr21-38308953-G-C.
Other names: c.792C>G, p.His264Gln (NM_000411.8, NM_001242784.3, NM_001242785.2 and 4 more transcripts); short protein forms H264Q, H411Q.
Identifiers: ClinVar variation 809289 (VCV000809289.43), dbSNP rs1601802008, ClinGen allele CA409912293.
Genomic context (GRCh38, chr21:36,936,653, plus strand): 5'-GACGCTGAGCTTCACCTCGCTCTGGTCAGCCTTGGAGAAAACCAAGTTCTGGACTGTCTT[G>C]TGCAGTGCACCCTTGCTTGTCACCTGAAAGCCACCAAAGGTGAAGGATGAAGACAGGCCC-3'
Protein context (NP_001339443.1, residues 401-421): GFQVTSKGAL[His411Gln]KTVQNLVFSK